The following is an entry in ClinVar:

NM_020461.4(TUBGCP6):c.5136G>A (p.Ala1712=)

Gene: TUBGCP6 (tubulin gamma complex component 6; minus strand). Cytogenetic location: 22q13.33.
Variant type: single nucleotide variant.
Coding change: c.5136G>A on transcript NM_020461.4 (MANE Select); coding-DNA position 5136, G replaced by A.
Protein change: p.Ala1712=; no amino-acid change (alanine 1712 retained).
Molecular consequence: synonymous variant.
Genome position (GRCh38, 1-based): chr22:50,218,221, C>T on the plus strand (G>A on the coding strand, the complement: TUBGCP6 is on the minus strand). VCF-style: chr22-50218221-C-T. GRCh37 (hg19) VCF-style: chr22-50656650-C-T.
Identifiers: ClinVar variation 1896843 (VCV001896843.30), dbSNP rs142373772, ClinGen allele CA10307165.

ClinVar aggregate classification (germline): Likely benign. Review status: criteria provided, multiple submitters, no conflicts (2 of 4 stars). 2 submissions from 2 submitters: Likely benign (2). Last evaluated 2024-07-04.

Allele frequency attached by ClinVar (database versions not stated): 1000 Genomes Project 30x 0.00016; 1000 Genomes Project 0.00020.

Submissions (2):

Labcorp Genetics (formerly Invitae), Labcorp
Classification: Likely benign. Last evaluated: 2024-07-04. Review status: criteria provided, single submitter. Criteria: Invitae Variant Classification Sherloc (09022015). Collection method: clinical testing. Allele origin: germline.

CeGaT Center for Human Genetics Tuebingen
Classification: Likely benign. Last evaluated: 2023-07-01. Review status: criteria provided, single submitter. Criteria: CeGaT Center For Human Genetics Tuebingen Variant Classification Criteria Version 2. Collection method: clinical testing. Allele origin: germline. Affected: yes. Observed: 1 variant allele.
Comment: TUBGCP6: BP4, BP7